The following is an entry in ClinVar:

NM_139318.5(KCNH5):c.1248T>A (p.Asp416Glu)

Gene: KCNH5 (potassium voltage-gated channel subfamily H member 5; minus strand). Cytogenetic location: 14q23.2.
Variant type: single nucleotide variant.
Coding change: c.1248T>A on transcript NM_139318.5 (MANE Select); coding-DNA position 1248, T replaced by A.
Protein change: p.Asp416Glu; replaces aspartic acid 416 with glutamic acid.
Molecular consequence: missense variant.
Genome position (GRCh38, 1-based): chr14:62,950,254, A>T on the plus strand (T>A on the coding strand, the complement: KCNH5 is on the minus strand). VCF-style: chr14-62950254-A-T. GRCh37 (hg19) VCF-style: chr14-63416972-A-T.
Other names: c.1248T>A, p.Asp416Glu (NM_172375.3); short protein forms D416E.
Identifiers: ClinVar variation 3239446 (VCV003239446.19), dbSNP rs2503004814.

ClinVar aggregate classification (germline): Uncertain significance (1 of 4 stars; one submission).

gnomAD v4.1: 25 of 1,613,992 alleles (0.0015%); highest among the groups gnomAD compares: Non-Finnish European, 0.002%; no homozygotes.

Submission:

CeGaT Center for Human Genetics Tuebingen
Classification: Uncertain significance. Last evaluated: 2024-05-01. Review status: criteria provided, single submitter. Criteria: CeGaT Center For Human Genetics Tuebingen Variant Classification Criteria Version 2. Collection method: clinical testing. Allele origin: germline. Affected: yes. Observed: 1 variant allele.
Comment: KCNH5: PM2